The following is an entry in ClinVar:

NM_000501.4(ELN):c.1727G>T (p.Gly576Val)

Genes: ELN-AS1 (ELN antisense RNA 1; minus strand), ELN (elastin; plus strand). Cytogenetic location: 7q11.23.
Variant type: single nucleotide variant.
Coding change: c.1727G>T on transcript NM_000501.4 (MANE Select); coding-DNA position 1727, G replaced by T.
Protein change: p.Gly576Val; replaces glycine 576 with valine.
Molecular consequence: missense variant.
Genome position (GRCh38, 1-based): chr7:74,060,481, G>T. VCF-style: chr7-74060481-G-T. GRCh37 (hg19) VCF-style: chr7-73474811-G-T.
Other names: c.1640G>T, p.Gly547Val (NM_001081752.3); c.1685G>T, p.Gly562Val (NM_001081753.3); c.1742G>T, p.Gly581Val (NM_001081754.3); c.1670G>T, p.Gly557Val (NM_001081755.3); c.1727G>T, p.Gly576Val (NM_001278912.2); c.1484G>T, p.Gly495Val (NM_001278913.2); c.1655G>T, p.Gly552Val (NM_001278914.2); c.1745G>T, p.Gly582Val (NM_001278915.2); and 4 more; short protein forms G547V, G605V, G552V, G566V, G582V, G487V, G495V, G562V.
Identifiers: ClinVar variation 1978415 (VCV001978415.4), dbSNP rs2486323802, ClinGen allele CA367886912.

ClinVar aggregate classification (germline): Uncertain significance (1 of 4 stars; one submission).

Conditions:
Supravalvar aortic stenosis (SVAS). Also called: Supravalvar aortic stenosis, Eisenberg type. Identifiers: Orphanet 3193, MedGen C0003499, MONDO:0008504, OMIM 185500, HP:0004381.

Submission:

Labcorp Genetics (formerly Invitae), Labcorp
Classification: Uncertain significance for Supravalvar aortic stenosis. Last evaluated: 2024-11-11. Review status: criteria provided, single submitter. Criteria: Invitae Variant Classification Sherloc (09022015). Collection method: clinical testing. Allele origin: germline.
Comment: This sequence change replaces glycine, which is neutral and non-polar, with valine, which is neutral and non-polar, at codon 605 of the ELN protein (p.Gly605Val). This variant is not present in population databases (gnomAD no frequency). This variant has not been reported in the literature in individuals affected with ELN-related conditions. ClinVar contains an entry for this variant (Variation ID: 1978415). Experimental studies and prediction algorithms are not available or were not evaluated, and the functional significance of this variant is currently unknown. In summary, the available evidence is currently insufficient to determine the role of this variant in disease. Therefore, it has been classified as a Variant of Uncertain Significance.